The following is an entry in ClinVar:

NM_024577.4(SH3TC2):c.*5277G>T

Gene: SH3TC2 (SH3 domain and tetratricopeptide repeats 2; minus strand). Cytogenetic location: 5q32.
Variant type: single nucleotide variant.
Coding change: c.*5277G>T on transcript NM_024577.4 (MANE Select); 5277 bases downstream of the stop codon, G replaced by T.
Molecular consequence: 3 prime UTR variant.
Genome position (GRCh38, 1-based): chr5:148,999,434, C>A on the plus strand (G>T on the coding strand, the complement: SH3TC2 is on the minus strand). VCF-style: chr5-148999434-C-A. GRCh37 (hg19) VCF-style: chr5-148378997-C-A.
Identifiers: ClinVar variation 905411 (VCV000905411.4), dbSNP rs529868327, ClinGen allele CA128991355.
Genomic context (GRCh38, chr5:148,999,434, plus strand): 5'-AGCTAGTAAGAAACAGATTCTAACCTAAGTATGCCCAACTCCAAAACACATTACATTGCC[C>A]CCACCTGAGCTGCCACCTGAGTGAGTGCAGAGCCCATTCCCTTGAATTTCTTCCTTCTTT-3'

ClinVar aggregate classification (germline): Conflicting classifications of pathogenicity. Review status: criteria provided, conflicting classifications (1 of 4 stars). 2 submissions from 1 submitter: Uncertain significance (1); Likely benign (1). Last evaluated 2018-01-12.

Conditions:
Susceptibility to mononeuropathy of the median nerve, mild. Also called: CARPAL TUNNEL SYNDROME, SUSCEPTIBILITY TO. Identifiers: MedGen C3150596, MONDO:0013237, OMIM 613353.
Charcot-Marie-Tooth disease type 4C (CMT4C). Also called: CHARCOT-MARIE-TOOTH DISEASE, DEMYELINATING, TYPE 4C; SH3TC2-Related Hereditary Motor and Sensory Neuropathy; Charcot-Marie-Tooth Neuropathy Type 4C (CMT4C); CHARCOT-MARIE-TOOTH DISEASE, DEMYELINATING, AUTOSOMAL RECESSIVE, TYPE 4C; CMT 4C. Identifiers: Orphanet 99949, MedGen C1866636, MONDO:0011113, OMIM 601596.

Allele frequency attached by ClinVar (database versions not stated): gnomAD 0.00090 and 0.00099; TOPMed 0.00093; 1000 Genomes Project 0.00140; 1000 Genomes Project 30x 0.00141.
gnomAD v4.1: 137 of 152,274 alleles (0.09%); highest among the groups gnomAD compares: African/African-American, 0.32%; no homozygotes.

Submissions (2):

Illumina Laboratory Services, Illumina
Classification: Uncertain significance for Charcot-Marie-Tooth disease type 4C. Last evaluated: 2018-01-12. Review status: criteria provided, single submitter. Criteria: ICSL Variant Classification Criteria 13 December 2019. Collection method: clinical testing. Allele origin: germline.

Illumina Laboratory Services, Illumina
Classification: Likely benign for Susceptibility to mononeuropathy of the median nerve, mild. Last evaluated: 2018-01-12. Review status: criteria provided, single submitter. Criteria: ICSL Variant Classification Criteria 13 December 2019. Collection method: clinical testing. Allele origin: germline.
Comment: This variant was observed in the ICSL laboratory as part of a predisposition screen in an ostensibly healthy population. It had not been previously curated by ICSL or reported in the Human Gene Mutation Database (HGMD: prior to June 1st, 2018), and was therefore a candidate for classification through an automated scoring system. Utilizing variant allele frequency, disease prevalence and penetrance estimates, and inheritance mode, an automated score was calculated to assess if this variant is too frequent to cause the disease. Based on the score and internal cut-off values, a variant classified as likely benign is not then subjected to further curation. The score for this variant resulted in a classification of likely benign for this disease.